The following is an entry in ClinVar:

ClinVar aggregate classification (germline): Conflicting classifications of pathogenicity. Review status: criteria provided, conflicting classifications (1 of 4 stars). 9 submissions from 6 submitters: Uncertain significance (8); Likely benign (1). Last evaluated 2025-12-31.

Conditions:
Cardiovascular phenotype. Identifiers: MedGen CN230736.
Cardiac arrhythmia. Also called: Arrhythmia; Cardiac rhythm disease. Identifiers: MedGen C0003811, MONDO:0007263, HP:0011675.
Long QT syndrome 1 (LQT1). Identifiers: Orphanet 101016, Orphanet 768, MedGen C4551647, MONDO:0100316, OMIM 192500, MONDO:0008646.
Jervell and Lange-Nielsen syndrome 1 (JLNS1). Also called: CARDIOAUDITORY SYNDROME OF JERVELL AND LANGE-NIELSEN; DEAFNESS, CONGENITAL, AND FUNCTIONAL HEART DISEASE; PROLONGED QT INTERVAL IN EKG AND SUDDEN DEATH; SURDO-CARDIAC SYNDROME. Identifiers: Orphanet 768, Orphanet 90647, MedGen C4551509, MONDO:0024540, OMIM 220400.
Atrial fibrillation, familial, 3 (ATFB3). Identifiers: MedGen C1837014, MONDO:0011857, OMIM 607554.
Long QT syndrome (LQTS). Identifiers: MedGen C0023976, MeSH D008133, MONDO:0002442. Disease mechanism: loss of function. Inheritance: Various modes of inheritance.
Short QT syndrome type 2. Identifiers: Orphanet 51083, MedGen C1865019, MONDO:0012313, OMIM 609621.

Allele frequency attached by ClinVar (database versions not stated): TOPMed 0.00002; ExAC 0.00003; gnomAD 0.00003; gnomAD exomes 0.00004.
gnomAD v4.1: 41 of 1,612,032 alleles (0.0025%); highest among the groups gnomAD compares: South Asian, 0.0055%; no homozygotes.

Submissions (9):

Labcorp Genetics (formerly Invitae), Labcorp
Classification: Uncertain significance for Long QT syndrome. Last evaluated: 2025-12-31. Review status: criteria provided, single submitter. Criteria: Invitae Variant Classification Sherloc (09022015). Collection method: clinical testing. Allele origin: germline.
Comment: This sequence change replaces aspartic acid, which is acidic and polar, with asparagine, which is neutral and polar, at codon 459 of the KCNQ1 protein (p.Asp459Asn). This variant is present in population databases (rs747704276, gnomAD 0.06%). This missense change has been observed in individual(s) with KCNQ1-related conditions (PMID: 38254962). ClinVar contains an entry for this variant (Variation ID: 628813). Invitae Evidence Modeling of protein sequence and biophysical properties (such as structural, functional, and spatial information, amino acid conservation, physicochemical variation, residue mobility, and thermodynamic stability) indicates that this missense variant is not expected to disrupt KCNQ1 protein function with a negative predictive value of 95%. In summary, the available evidence is currently insufficient to determine the role of this variant in disease. Therefore, it has been classified as a Variant of Uncertain Significance.

All of Us Research Program, National Institutes of Health
Classification: Uncertain significance for Long QT syndrome. Last evaluated: 2024-09-23. Review status: criteria provided, single submitter. Criteria: ACMG Guidelines, 2015. Collection method: clinical testing. Allele origin: germline. Inheritance: Autosomal dominant inheritance. Observed: 8 variant alleles, 8 heterozygotes.
Comment: This missense variant replaces aspartic acid with asparagine at codon 459 of the KCNQ1 protein. Computational prediction is inconclusive regarding the impact of this variant on protein structure and function (internally defined REVEL score threshold 0.5 < inconclusive < 0.7, PMID: 27666373). To our knowledge, functional studies have not been reported for this variant. This variant has not been reported in individuals affected with cardiovascular disorders in the literature. This variant has been identified in 10/280428 chromosomes in the general population by the Genome Aggregation Database (gnomAD). The available evidence is insufficient to determine the role of this variant in disease conclusively. Therefore, this variant is classified as a Variant of Uncertain Significance.

This study involves interpretation of variants in research participants for the purpose of population health screening. Participant phenotype was not available at the time of variant classification. Additional details can be found in publication PMID: 35346344, PMCID: PMC8962531

Ambry Genetics
Classification: Uncertain significance for Cardiovascular phenotype. Last evaluated: 2024-05-14. Review status: criteria provided, single submitter. Criteria: Ambry Variant Classification Scheme 2023. Collection method: clinical testing. Allele origin: germline.
Comment: The p.D459N variant (also known as c.1375G>A), located in coding exon 10 of the KCNQ1 gene, results from a G to A substitution at nucleotide position 1375. The aspartic acid at codon 459 is replaced by asparagine, an amino acid with highly similar properties. This amino acid position is well conserved in available vertebrate species. In addition, the in silico prediction for this alteration is inconclusive. Based on the available evidence, the clinical significance of this variant remains unclear.

Color Diagnostics, LLC DBA Color Health
Classification: Uncertain significance for Cardiac arrhythmia. Last evaluated: 2024-03-25. Review status: criteria provided, single submitter. Criteria: ACMG Guidelines, 2015. Collection method: clinical testing. Allele origin: germline.
Comment: This missense variant replaces aspartic acid with asparagine at codon 459 of the KCNQ1 protein. Computational prediction is inconclusive regarding the impact of this variant on protein structure and function. To our knowledge, functional studies have not been reported for this variant. This variant has not been reported in individuals affected with KCNQ1-related disorders in the literature. This variant has been identified in 10/280428 chromosomes in the general population by the Genome Aggregation Database (gnomAD). The available evidence is insufficient to determine the role of this variant in disease conclusively. Therefore, this variant is classified as a Variant of Uncertain Significance.

GeneDx
Classification: Uncertain significance. Last evaluated: 2023-07-20. Review status: criteria provided, single submitter. Criteria: GeneDx Variant Classification Process June 2021. Collection method: clinical testing. Allele origin: germline. Affected: yes.
Comment: Has not been previously published as pathogenic or benign to our knowledge; In silico analysis supports that this missense variant does not alter protein structure/function

Illumina Laboratory Services, Illumina
Classification: Uncertain significance for Atrial fibrillation, familial, 3. Last evaluated: 2018-01-12. Review status: criteria provided, single submitter. Criteria: ICSL Variant Classification Criteria 13 December 2019. Collection method: clinical testing. Allele origin: germline.

Illumina Laboratory Services, Illumina
Classification: Likely benign for Short QT syndrome type 2. Last evaluated: 2018-01-12. Review status: criteria provided, single submitter. Criteria: ICSL Variant Classification Criteria 13 December 2019. Collection method: clinical testing. Allele origin: germline.
Comment: This variant was observed in the ICSL laboratory as part of a predisposition screen in an ostensibly healthy population. It had not been previously curated by ICSL or reported in the Human Gene Mutation Database (HGMD: prior to June 1st, 2018), and was therefore a candidate for classification through an automated scoring system. Utilizing variant allele frequency, disease prevalence and penetrance estimates, and inheritance mode, an automated score was calculated to assess if this variant is too frequent to cause the disease. Based on the score and internal cut-off values, a variant classified as likely benign is not then subjected to further curation. The score for this variant resulted in a classification of likely benign for this disease.

Illumina Laboratory Services, Illumina
Classification: Uncertain significance for Long QT syndrome 1. Last evaluated: 2018-01-12. Review status: criteria provided, single submitter. Criteria: ICSL Variant Classification Criteria 13 December 2019. Collection method: clinical testing. Allele origin: germline.

Illumina Laboratory Services, Illumina
Classification: Uncertain significance for Jervell and Lange-Nielsen syndrome 1. Last evaluated: 2018-01-12. Review status: criteria provided, single submitter. Criteria: ICSL Variant Classification Criteria 13 December 2019. Collection method: clinical testing. Allele origin: germline.

Literature cited by the submitters: PubMed 38254962 (cited by Labcorp Genetics (formerly Invitae), Labcorp).

NM_000218.3(KCNQ1):c.1375G>A (p.Asp459Asn)

Gene: KCNQ1 (potassium voltage-gated channel subfamily Q member 1; plus strand). Cytogenetic location: 11p15.5.
Variant type: single nucleotide variant.
Coding change: c.1375G>A on transcript NM_000218.3 (MANE Select); coding-DNA position 1375, G replaced by A.
Protein change: p.Asp459Asn; replaces aspartic acid 459 with asparagine.
Molecular consequence: missense variant.
Genome position (GRCh38, 1-based): chr11:2,588,836, G>A. VCF-style: chr11-2588836-G-A. GRCh37 (hg19) VCF-style: chr11-2610066-G-A.
Other names: c.1279G>A, p.Asp427Asn (NM_001406836.1); c.1105G>A, p.Asp369Asn (NM_001406837.1); c.835G>A, p.Asp279Asn (NM_001406838.1); c.994G>A, p.Asp332Asn (NM_181798.2); short protein forms D332N, D459N, D279N, D369N, D427N.
Identifiers: ClinVar variation 628813 (VCV000628813.25), dbSNP rs747704276, ClinGen allele CA028983.
Genomic context (GRCh38, chr11:2,588,836, plus strand): 5'-ACAGTCCCCCATATCACGTGCGACCCCCCAGAAGAGCGGCGGCTGGACCACTTCTCTGTC[G>A]ACGGCTATGACAGTTCTGGTGAGAACCCCTCAGGCAGTTGGGGGCCGCGGGGCCGGGAAG-3'
Protein context (NP_000209.2, residues 449-469): EERRLDHFSV[Asp459Asn]GYDSSVRKSP